The following is an entry in ClinVar:

NM_001394062.1(MACF1):c.17089C>T (p.Pro5697Ser)

Gene: MACF1 (microtubule actin crosslinking factor 1; plus strand). Cytogenetic location: 1p34.3.
Variant type: single nucleotide variant.
Coding change: c.17089C>T on transcript NM_001394062.1 (MANE Select); coding-DNA position 17089, C replaced by T.
Protein change: p.Pro5697Ser; replaces proline 5697 with serine.
Molecular consequence: missense variant.
Genome position (GRCh38, 1-based): chr1:39,430,027, C>T. VCF-style: chr1-39430027-C-T. GRCh37 (hg19) VCF-style: chr1-39895699-C-T.
Other names: c.5158C>T, p.Pro1720Ser (NM_001397473.1); c.10903C>T, p.Pro3635Ser (NM_012090.5); short protein forms P1720S, P3635S, P5697S.
Identifiers: ClinVar variation 1719807 (VCV001719807.5), dbSNP rs2523054511, ClinGen allele CA339800597.

ClinVar aggregate classification (germline): Uncertain significance (1 of 4 stars; one submission).

Submission:

Labcorp Genetics (formerly Invitae), Labcorp
Classification: Uncertain significance. Last evaluated: 2022-09-20. Review status: criteria provided, single submitter. Criteria: Invitae Variant Classification Sherloc (09022015). Collection method: clinical testing. Allele origin: germline.
Comment: Algorithms developed to predict the effect of missense changes on protein structure and function are either unavailable or do not agree on the potential impact of this missense change (SIFT: "Deleterious"; PolyPhen-2: "Benign"; Align-GVGD: "Class C0"). In summary, the available evidence is currently insufficient to determine the role of this variant in disease. Therefore, it has been classified as a Variant of Uncertain Significance. This variant has not been reported in the literature in individuals affected with MACF1-related conditions. This variant is not present in population databases (gnomAD no frequency). This sequence change replaces proline, which is neutral and non-polar, with serine, which is neutral and polar, at codon 3635 of the MACF1 protein (p.Pro3635Ser).